The following is an entry in ClinVar:

NM_006642.5(SDCCAG8):c.629A>G (p.Asn210Ser)

Gene: SDCCAG8 (SHH signaling and ciliogenesis regulator SDCCAG8; plus strand). Cytogenetic location: 1q43.
Variant type: single nucleotide variant.
Coding change: c.629A>G on transcript NM_006642.5 (MANE Select); coding-DNA position 629, A replaced by G.
Protein change: p.Asn210Ser; replaces asparagine 210 with serine.
Molecular consequence: missense variant. On other transcripts: 5 prime UTR variant (3).
Genome position (GRCh38, 1-based): chr1:243,293,173, A>G. VCF-style: chr1-243293173-A-G. GRCh37 (hg19) VCF-style: chr1-243456475-A-G.
Other names: c.-484A>G (NM_001350246.2); c.-372A>G (NM_001350247.2); c.629A>G, p.Asn210Ser (NM_001350248.2); c.335A>G, p.Asn112Ser (NM_001350249.2); c.-745A>G (NM_001350251.2); short protein forms N112S, N210S.
Identifiers: ClinVar variation 3763824 (VCV003763824.2).

ClinVar aggregate classification (germline): Uncertain significance (1 of 4 stars; one submission).

Conditions:
Senior-Loken syndrome 7 (SLSN7). Identifiers: Orphanet 3156, MedGen C3150877, MONDO:0013326, OMIM 613615.
Bardet-Biedl syndrome 16 (BBS16). Identifiers: Orphanet 110, MedGen C3889474, MONDO:0014444, OMIM 615993.

gnomAD v4.1: 10 of 1,614,176 alleles (0.00062%); highest among the groups gnomAD compares: South Asian, 0.0011%; no homozygotes.

Submission:

Labcorp Genetics (formerly Invitae), Labcorp
Classification: Uncertain significance for Bardet-Biedl syndrome 16; Senior-Loken syndrome 7. Last evaluated: 2025-08-18. Review status: criteria provided, single submitter. Criteria: Invitae Variant Classification Sherloc (09022015). Collection method: clinical testing. Allele origin: germline.
Comment: This sequence change replaces asparagine, which is neutral and polar, with serine, which is neutral and polar, at codon 210 of the SDCCAG8 protein (p.Asn210Ser). This variant is present in population databases (rs775273268, gnomAD 0.003%). This variant has not been reported in the literature in individuals affected with SDCCAG8-related conditions. ClinVar contains an entry for this variant (Variation ID: 3763824). Invitae Evidence Modeling of protein sequence and biophysical properties (such as structural, functional, and spatial information, amino acid conservation, physicochemical variation, residue mobility, and thermodynamic stability) indicates that this missense variant is not expected to disrupt SDCCAG8 protein function with a negative predictive value of 80%. In summary, the available evidence is currently insufficient to determine the role of this variant in disease. Therefore, it has been classified as a Variant of Uncertain Significance.